The following is an entry in ClinVar:

NM_015512.5(DNAH1):c.10345G>A (p.Val3449Met)

Gene: DNAH1 (dynein axonemal heavy chain 1; plus strand). Cytogenetic location: 3p21.1.
Variant type: single nucleotide variant.
Coding change: c.10345G>A on transcript NM_015512.5 (MANE Select); coding-DNA position 10345, G replaced by A.
Protein change: p.Val3449Met; replaces valine 3449 with methionine.
Molecular consequence: missense variant.
Genome position (GRCh38, 1-based): chr3:52,392,896, G>A. VCF-style: chr3-52392896-G-A. GRCh37 (hg19) VCF-style: chr3-52426912-G-A.
Other names: short protein forms V3449M.
Identifiers: ClinVar variation 981134 (VCV000981134.6), dbSNP rs757371106, ClinGen allele CA2435809.

ClinVar aggregate classification (germline): Uncertain significance (1 of 4 stars; one submission).

Conditions:
Spermatogenic failure 18. Identifiers: MedGen C4539783, MONDO:0054615, OMIM 617576.
Ciliary dyskinesia, primary, 37 (CILD37). Also called: CILIARY DYSKINESIA, PRIMARY, 37, WITH OR WITHOUT SITUS INVERSUS. Identifiers: MedGen C4539798, MONDO:0033204, OMIM 617577.

Allele frequency attached by ClinVar (database versions not stated): ExAC 0.00001; gnomAD exomes 0.00002; TOPMed 0.00005; 1000 Genomes Project 30x 0.00016.
gnomAD v4.1: 84 of 1,608,916 alleles (0.0052%); highest among the groups gnomAD compares: Non-Finnish European, 0.0058%; no homozygotes.

Submission:

Labcorp Genetics (formerly Invitae), Labcorp
Classification: Uncertain significance for Ciliary dyskinesia, primary, 37; Spermatogenic failure 18. Last evaluated: 2022-07-12. Review status: criteria provided, single submitter. Criteria: Invitae Variant Classification Sherloc (09022015). Collection method: clinical testing. Allele origin: germline.
Comment: This sequence change replaces valine, which is neutral and non-polar, with methionine, which is neutral and non-polar, at codon 3449 of the DNAH1 protein (p.Val3449Met). In summary, the available evidence is currently insufficient to determine the role of this variant in disease. Therefore, it has been classified as a Variant of Uncertain Significance. Algorithms developed to predict the effect of missense changes on protein structure and function are either unavailable or do not agree on the potential impact of this missense change (SIFT: "Deleterious"; PolyPhen-2: "Probably Damaging"; Align-GVGD: "Class C0"). ClinVar contains an entry for this variant (Variation ID: 981134). This variant has not been reported in the literature in individuals affected with DNAH1-related conditions. This variant is present in population databases (rs757371106, gnomAD 0.006%).